The following is an entry in ClinVar:

ClinVar aggregate classification (germline): Uncertain significance (1 of 4 stars; one submission).

Conditions:
Waardenburg syndrome type 2E (WS2E). Also called: WAARDENBURG SYNDROME, TYPE 2E, WITH OR WITHOUT NEUROLOGIC INVOLVEMENT; WS2E, WITH OR WITHOUT NEUROLOGIC INVOLVEMENT; HYPOGONADOTROPIC HYPOGONADISM WITH ANOSMIA AND DEAFNESS, WITH OR WITHOUT HYPOPIGMENTATION. Identifiers: Orphanet 3440, MedGen C2700405, MONDO:0012698, OMIM 611584.

Submission:

3billion
Classification: Uncertain significance for Waardenburg syndrome type 2E. Last evaluated: 2025-02-20. Review status: criteria provided, single submitter. Criteria: ACMG Guidelines, 2015. Collection method: clinical testing. Allele origin: germline. Affected: yes.
Comment: The variant is not observed in the gnomAD v4.1.0 dataset. Predicted Consequence/Location: Frameshift: predicted to result in a loss or disruption of normal protein function through protein truncation. The predicted truncated protein may be shortened by less than 10%. Therefore, this variant is classified as VUS according to the recommendation of ACMG/AMP guideline.

NM_006941.4(SOX10):c.1280_1304del (p.Tyr427fs)

Genes: POLR2F (RNA polymerase II, I and III subunit F; plus strand), SOX10 (SRY-box transcription factor 10; minus strand). Cytogenetic location: 22q13.1.
Variant type: Deletion.
Coding change: c.1280_1304del on transcript NM_006941.4 (MANE Select); coding-DNA positions 1280 to 1304, 25 bases deleted (ATATGGGGCCCTCGCAGCGGCCCCT).
Protein change: p.Tyr427fs; shifts the reading frame from tyrosine 427.
Molecular consequence: frameshift variant. On other transcripts: intron variant (3).
Genome position (GRCh38, 1-based): chr22:37,973,592-37,973,616, AGGGGCCGCTGCGAGGGCCCCATAT deleted on the plus strand (ATATGGGGCCCTCGCAGCGGCCCCT on the coding strand, the reverse complement: SOX10 is on the minus strand); deleting any 25 consecutive bases within chr22:37,973,592-37,973,619 gives the same sequence; the c. name uses the placement nearest the transcript's 3' end. VCF-style (leftmost placement, unchanged base first): chr22-37973591-GAGGGGCCGCTGCGAGGGCCCCATAT-G. GRCh37 (hg19) VCF-style: chr22-38369598-GAGGGGCCGCTGCGAGGGCCCCATAT-G.
Other names: c.*38+1285_*38+1309del (NM_001363825.1); c.293+6425_293+6449del (NM_001301130.2, NM_001301131.2); short protein forms Y427fs.
Identifiers: ClinVar variation 4292547 (VCV004292547.1).
Genomic context (GRCh38, chr22:37,973,591, plus strand): 5'-CCAGTGTGTGGGGCTGTGGGACTGGGGCCCTGAGGGGCTGGGGTCAGAGATGGCCGTGTA[GAGGGGCCGCTGCGAGGGCCCCATAT>G]AGGAGAAGGCCGAGTAGAGGCCAGAGGCCTGGCCCGAGTGGCCATAATAGGGTCCTGAGG-3'